The following is an entry in ClinVar:

ClinVar aggregate classification (germline): Pathogenic. Review status: criteria provided, multiple submitters, no conflicts (2 of 4 stars). 2 submissions from 2 submitters: Pathogenic (2). Last evaluated 2025-05-28.

Conditions:
Myofibrillar myopathy 5. Also called: FILAMINOPATHY, AUTOSOMAL DOMINANT; Filaminopathy (type). Identifiers: Orphanet 171445, MedGen C1836050, MONDO:0012289, OMIM 609524.
Hypertrophic cardiomyopathy 26. Also called: Cardiomyopathy, familial hypertrophic, 26. Identifiers: Orphanet 75249, MedGen C4310749, MONDO:0014883, OMIM 617047.
Distal myopathy with posterior leg and anterior hand involvement. Also called: WILLIAMS DISTAL MYOPATHY. Identifiers: Orphanet 63273, MedGen C3279722, MONDO:0013550, OMIM 614065.
Cardiovascular phenotype. Identifiers: MedGen CN230736.

Submissions (2):

Ambry Genetics
Classification: Pathogenic for Cardiovascular phenotype. Last evaluated: 2025-05-28. Review status: criteria provided, single submitter. Criteria: Ambry Variant Classification Scheme 2023. Collection method: clinical testing. Allele origin: germline.
Comment: The p.Y1303* pathogenic mutation (also known as c.3909T>A), located in coding exon 22 of the FLNC gene, results from a T to A substitution at nucleotide position 3909. This changes the amino acid from a tyrosine to a stop codon within coding exon 22. This variant is considered to be rare based on population cohorts in the Genome Aggregation Database (gnomAD). This alteration is expected to result in loss of function by premature protein truncation or nonsense-mediated mRNA decay. As such, this alteration is interpreted as a disease-causing mutation for FLNC-related dilated cardiomyopathy; however, its clinical significance for FLNC-related hypertrophy/restrictive cardiomyopathy and/or skeletal myopathy is uncertain.

Labcorp Genetics (formerly Invitae), Labcorp
Classification: Pathogenic for Distal myopathy with posterior leg and anterior hand involvement; Myofibrillar myopathy 5; Hypertrophic cardiomyopathy 26. Last evaluated: 2024-01-27. Review status: criteria provided, single submitter. Criteria: Invitae Variant Classification Sherloc (09022015). Collection method: clinical testing. Allele origin: germline.
Comment: This sequence change creates a premature translational stop signal (p.Tyr1303*) in the FLNC gene. It is expected to result in an absent or disrupted protein product. Loss-of-function variants in FLNC are known to be pathogenic (PMID: 27908349). This variant is not present in population databases (gnomAD no frequency). This variant has not been reported in the literature in individuals affected with FLNC-related conditions. For these reasons, this variant has been classified as Pathogenic.

Literature cited by the submitters: PubMed 27908349 (cited by Labcorp Genetics (formerly Invitae), Labcorp).

NM_001458.5(FLNC):c.3909T>A (p.Tyr1303Ter)

Gene: FLNC (filamin C; plus strand). Cytogenetic location: 7q32.1.
Variant type: single nucleotide variant.
Coding change: c.3909T>A on transcript NM_001458.5 (MANE Select); coding-DNA position 3909, T replaced by A.
Protein change: p.Tyr1303Ter; replaces tyrosine 1303 with a stop codon.
Molecular consequence: nonsense.
Genome position (GRCh38, 1-based): chr7:128,846,108, T>A. VCF-style: chr7-128846108-T-A. GRCh37 (hg19) VCF-style: chr7-128486162-T-A.
Other names: c.3909T>A, p.Tyr1303Ter (NM_001127487.2); short protein forms Y1303*.
Identifiers: ClinVar variation 2922627 (VCV002922627.4), dbSNP rs1329973329, ClinGen allele CA369198708.
Genomic context (GRCh38, chr7:128,846,108, plus strand): 5'-AGGCGGCAACCACGTGACGGCTCGTGTGCTCAACCCCTCGGGGGCCAAGACAGACACCTA[T>A]GTGACAGACAATGGGGACGGCACCTACCGAGTGCAGTACACCGCCTACGAGGAGGGTGAG-3'